The following is an entry in ClinVar:

NM_002294.3(LAMP2):c.*2771A>G

Gene: LAMP2 (lysosome associated membrane protein 2; minus strand). Cytogenetic location: Xq24.
Variant type: single nucleotide variant.
Coding change: c.*2771A>G on transcript NM_002294.3 (MANE Select); 2771 bases downstream of the stop codon, A replaced by G.
Molecular consequence: 3 prime UTR variant. On other transcripts: missense variant (1).
Genome position (GRCh38, 1-based): chrX:120,428,552, T>C on the plus strand (A>G on the coding strand, the complement: LAMP2 is on the minus strand). VCF-style: chrX-120428552-T-C. GRCh37 (hg19) VCF-style: chrX-119562407-T-C.
Other names: c.*2771A>G (NM_002294.2); c.1168A>G, p.Ile390Val (NM_001122606.1); short protein forms I390V.
Identifiers: ClinVar variation 1284840 (VCV001284840.31), dbSNP rs747304113, ClinGen allele CA10505153.

ClinVar aggregate classification (germline): Likely benign. Review status: criteria provided, multiple submitters, no conflicts (2 of 4 stars). 7 submissions from 7 submitters: Likely benign (3). 4 of the submissions do not count toward it. Last evaluated 2025-09-11.

Conditions:
LAMP2-related disorder. Also called: LAMP2-related condition.

Allele frequency attached by ClinVar (database versions not stated): TOPMed 0.00003; ExAC 0.00004; gnomAD 0.00004; gnomAD exomes 0.00004 and 0.00005.
gnomAD v4.1: 54 of 1,199,452 alleles (0.0045%); highest among the groups gnomAD compares: Non-Finnish European, 0.0055%; no homozygotes.

Submissions (7):

PreventionGenetics, part of Exact Sciences
Classification: Likely benign for LAMP2-related condition. Last evaluated: 2025-09-11. Review status: criteria provided, single submitter. Criteria: ACMG Guidelines, 2015. Collection method: clinical testing. Allele origin: germline.
Comment: This variant is classified as likely benign based on ACMG/AMP sequence variant interpretation guidelines (Richards et al. 2015 PMID: 25741868, with internal and published modifications).

CeGaT Center for Human Genetics Tuebingen
Classification: Likely benign. Last evaluated: 2022-08-01. Review status: criteria provided, single submitter. Criteria: CeGaT Center For Human Genetics Tuebingen Variant Classification Criteria Version 2. Collection method: clinical testing. Allele origin: germline. Affected: yes. Observed: 1 variant allele.
Comment: LAMP2: BS2

Blueprint Genetics
Classification: Likely benign. Last evaluated: 2019-07-04. Review status: criteria provided, single submitter. Criteria: ACMG Guidelines, 2015. Collection method: clinical testing. Allele origin: germline.

Clinical Genetics DNA and cytogenetics Diagnostics Lab, Erasmus MC, Erasmus Medical Center
Classification: Likely benign. Review status: no assertion criteria provided. Collection method: clinical testing. Allele origin: germline. Affected: yes. Study: VKGL Data-share Consensus. Not counted in ClinVar's aggregate classification.

Clinical Genetics, Academic Medical Center
Classification: Likely benign. Review status: no assertion criteria provided. Collection method: clinical testing. Allele origin: germline. Affected: yes. Study: VKGL Data-share Consensus. Not counted in ClinVar's aggregate classification.

Genome Diagnostics Laboratory, University Medical Center Utrecht
Classification: Likely benign. Review status: no assertion criteria provided. Collection method: clinical testing. Allele origin: germline. Affected: yes. Study: VKGL Data-share Consensus. Not counted in ClinVar's aggregate classification.

Joint Genome Diagnostic Labs from Nijmegen and Maastricht, Radboudumc and MUMC+
Classification: Likely benign. Review status: no assertion criteria provided. Collection method: clinical testing. Allele origin: germline. Affected: yes. Study: VKGL Data-share Consensus. Not counted in ClinVar's aggregate classification.